The following is an entry in ClinVar:

NM_058216.3(RAD51C):c.566G>A (p.Gly189Glu)

Gene: RAD51C (RAD51 paralog C; plus strand). Cytogenetic location: 17q22.
Variant type: single nucleotide variant.
Coding change: c.566G>A on transcript NM_058216.3 (MANE Select); coding-DNA position 566, G replaced by A.
Protein change: p.Gly189Glu; replaces glycine 189 with glutamic acid.
Molecular consequence: missense variant.
Genome position (GRCh38, 1-based): chr17:58,696,854, G>A. VCF-style: chr17-58696854-G-A. GRCh37 (hg19) VCF-style: chr17-56774215-G-A.
Other names: short protein forms G189E.
Identifiers: ClinVar variation 841799 (VCV000841799.10), dbSNP rs1240012999, ClinGen allele CA400345501.

ClinVar aggregate classification (germline): Uncertain significance (1 of 4 stars; one submission).

Conditions:
Fanconi anemia complementation group O. Also called: RAD51C-Related Fanconi Anemia. Identifiers: Orphanet 84, MedGen C3150653, MONDO:0013248, OMIM 613390.

Submission:

Labcorp Genetics (formerly Invitae), Labcorp
Classification: Uncertain significance for Fanconi anemia complementation group O. Last evaluated: 2019-12-27. Review status: criteria provided, single submitter. Criteria: Invitae Variant Classification Sherloc (09022015). Collection method: clinical testing. Allele origin: germline.
Comment: In summary, the available evidence is currently insufficient to determine the role of this variant in disease. Therefore, it has been classified as a Variant of Uncertain Significance. Algorithms developed to predict the effect of missense changes on protein structure and function output the following: SIFT: "Tolerated"; PolyPhen-2: "Benign"; Align-GVGD: "Class C0". The glutamic acid amino acid residue is found in multiple mammalian species, suggesting that this missense change does not adversely affect protein function. These predictions have not been confirmed by published functional studies and their clinical significance is uncertain. This variant has not been reported in the literature in individuals with RAD51C-related conditions. This variant is not present in population databases (ExAC no frequency). This sequence change replaces glycine with glutamic acid at codon 189 of the RAD51C protein (p.Gly189Glu). The glycine residue is weakly conserved and there is a moderate physicochemical difference between glycine and glutamic acid.